The following is an entry in ClinVar:

ClinVar aggregate classification (germline): Uncertain significance. Review status: criteria provided, multiple submitters, no conflicts (2 of 4 stars). 2 submissions from 2 submitters: Uncertain significance (2). Last evaluated 2025-12-21.

Conditions:
Inborn genetic diseases. Identifiers: MedGen C0950123, MeSH D030342.

Allele frequency attached by ClinVar (database versions not stated): TOPMed 0.00003; gnomAD exomes 0.00005 and 0.00009; ExAC 0.00006; gnomAD 0.00007 and 0.00008.
gnomAD v4.1: 148 of 1,614,110 alleles (0.0092%); highest among the groups gnomAD compares: Non-Finnish European, 0.011%; no homozygotes.

Submissions (2):

Labcorp Genetics (formerly Invitae), Labcorp
Classification: Uncertain significance. Last evaluated: 2025-12-21. Review status: criteria provided, single submitter. Criteria: Invitae Variant Classification Sherloc (09022015). Collection method: clinical testing. Allele origin: germline.
Comment: This sequence change replaces arginine, which is basic and polar, with glutamine, which is neutral and polar, at codon 1051 of the ADAMTS17 protein (p.Arg1051Gln). This variant is present in population databases (rs747317920, gnomAD 0.01%). This variant has not been reported in the literature in individuals affected with ADAMTS17-related conditions. ClinVar contains an entry for this variant (Variation ID: 1375597). An algorithm developed to predict the effect of missense changes on protein structure and function (PolyPhen-2) suggests that this variant is likely to be disruptive. In summary, the available evidence is currently insufficient to determine the role of this variant in disease. Therefore, it has been classified as a Variant of Uncertain Significance.

Ambry Genetics
Classification: Uncertain significance for Inborn genetic diseases. Last evaluated: 2024-07-05. Review status: criteria provided, single submitter. Criteria: Ambry Variant Classification Scheme 2023. Collection method: clinical testing. Allele origin: germline.

NM_139057.4(ADAMTS17):c.3152G>A (p.Arg1051Gln)

Gene: ADAMTS17 (ADAM metallopeptidase with thrombospondin type 1 motif 17; minus strand). Cytogenetic location: 15q26.3.
Variant type: single nucleotide variant.
Coding change: c.3152G>A on transcript NM_139057.4 (MANE Select); coding-DNA position 3152, G replaced by A.
Protein change: p.Arg1051Gln; replaces arginine 1051 with glutamine.
Molecular consequence: missense variant.
Genome position (GRCh38, 1-based): chr15:99,974,538, C>T on the plus strand (G>A on the coding strand, the complement: ADAMTS17 is on the minus strand). VCF-style: chr15-99974538-C-T. GRCh37 (hg19) VCF-style: chr15-100514743-C-T.
Other names: c.3152G>A (NM_139057.2); short protein forms R1051Q.
Identifiers: ClinVar variation 1375597 (VCV001375597.5), dbSNP rs747317920, ClinGen allele CA7757449.
Genomic context (GRCh38, chr15:99,974,538, plus strand): 5'-CGCATGTCCTGGCAGAGGTTCTTTTCTCGGATGACCCGGCAATATACCGTCCACTGGTCT[C>T]GTGTGCATTTGTAGGTCAGAGCAGCTAAGGGGATAGGAGAGAGAATACCCAGGGTCAGGG-3'
Protein context (NP_620688.2, residues 1041-1061): RLAALTYKCT[Arg1051Gln]DQWTVYCRVI